The following is an entry in ClinVar:

NM_078480.3(PUF60):c.55G>T (p.Glu19Ter)

Gene: PUF60 (poly(U) binding splicing factor 60; minus strand). Cytogenetic location: 8q24.3.
Variant type: single nucleotide variant.
Coding change: c.55G>T on transcript NM_078480.3 (MANE Select); coding-DNA position 55, G replaced by T.
Protein change: p.Glu19Ter; replaces glutamic acid 19 with a stop codon.
Molecular consequence: nonsense. On other transcripts: 5 prime UTR variant (2), intron variant (2).
Genome position (GRCh38, 1-based): chr8:143,824,369, C>A on the plus strand (G>T on the coding strand, the complement: PUF60 is on the minus strand). VCF-style: chr8-143824369-C-A. GRCh37 (hg19) VCF-style: chr8-144906539-C-A.
Other names: c.-75G>T (NM_001136033.3, NM_001271100.2); c.52G>T, p.Glu18Ter (NM_001271096.2, NM_001271098.2); c.166G>T, p.Glu56Ter (NM_001362895.2, NM_001362896.2, NM_001362897.2); c.55G>T, p.Glu19Ter (NM_014281.5); c.25-2456G>T (NM_001271097.2, NM_001271099.2); short protein forms E18*, E19*, E56*.
Identifiers: ClinVar variation 4993717 (VCV004993717.1).
Genomic context (GRCh38, chr8:143,824,369, plus strand): 5'-GTACCTGTGGAGGTTTCCATTTGTCTCCCGCTGCCACCACTGCCGCCGCCGCCGCCGGCT[C>A]GGACCCCCCTCCTTGCTGGCCATTGACCTGCTGCAGGCAGGAAGGAGATGTTGTAACGAC-3'

ClinVar aggregate classification (germline): Likely pathogenic (1 of 4 stars; one submission).

Conditions:
PUF60-related disorder. Also called: PUF60-related condition.

Submission:

PreventionGenetics, part of Exact Sciences
Classification: Likely pathogenic for PUF60-related condition. Last evaluated: 2026-08-28. Review status: criteria provided, single submitter. Criteria: ACMG Guidelines, 2015. Collection method: clinical testing. Allele origin: germline.
Comment: The PUF60 c.55G>T variant is predicted to result in premature protein termination (p.Glu19*). To our knowledge, this variant has not been reported in the literature or in a large population database (gnomAD), indicating it is rare. Nonsense variants in PUF60 are expected to be pathogenic. This variant is interpreted as likely pathogenic.